The following is an entry in ClinVar:

NM_000057.4(BLM):c.3856T>C (p.Ser1286Pro)

Gene: BLM (BLM RecQ like helicase; plus strand). Cytogenetic location: 15q26.1.
Variant type: single nucleotide variant.
Coding change: c.3856T>C on transcript NM_000057.4 (MANE Select); coding-DNA position 3856, T replaced by C.
Protein change: p.Ser1286Pro; replaces serine 1286 with proline.
Molecular consequence: missense variant.
Genome position (GRCh38, 1-based): chr15:90,809,241, T>C. VCF-style: chr15-90809241-T-C. GRCh37 (hg19) VCF-style: chr15-91352471-T-C.
Other names: c.3856T>C, p.Ser1286Pro (NM_001287246.2); c.3463T>C, p.Ser1155Pro (NM_001287247.2); c.2731T>C, p.Ser911Pro (NM_001287248.2); short protein forms S1155P, S1286P, S911P.
Identifiers: ClinVar variation 1011500 (VCV001011500.9), dbSNP rs1897350617, ClinGen allele CA393849812.
Genomic context (GRCh38, chr15:90,809,241, plus strand): 5'-GTTACTGAAGACAAACTGGAAAAATATGGTGCGGAAGTGATTTCAGTATTACAGAAATAC[T>C]CTGAATGGACATCGCCAGGTTAGTACACAGCCATGTGTGTTCTCTAAAAGCCTGTTTAAT-3'
Protein context (NP_000048.1, residues 1276-1296): AEVISVLQKY[Ser1286Pro]EWTSPAEDSS

ClinVar aggregate classification (germline): Uncertain significance (1 of 4 stars; one submission).

Conditions:
Bloom syndrome (BLM). Also called: Bloom-Torre-Machacek syndrome. Identifiers: Orphanet 125, MedGen C0005859, MONDO:0008876, OMIM 210900.

Allele frequency attached by ClinVar (database versions not stated): gnomAD exomes below 0.00001.
gnomAD v4.1: 1 of 1,614,208 alleles (0.000062%); highest among the groups gnomAD compares: East Asian, 0.0022%; no homozygotes.

Submission:

Labcorp Genetics (formerly Invitae), Labcorp
Classification: Uncertain significance for Bloom syndrome. Last evaluated: 2023-07-10. Review status: criteria provided, single submitter. Criteria: Invitae Variant Classification Sherloc (09022015). Collection method: clinical testing. Allele origin: germline.
Comment: This variant has not been reported in the literature in individuals affected with BLM-related conditions. This sequence change replaces serine, which is neutral and polar, with proline, which is neutral and non-polar, at codon 1286 of the BLM protein (p.Ser1286Pro). This variant is not present in population databases (gnomAD no frequency). ClinVar contains an entry for this variant (Variation ID: 1011500). Advanced modeling of protein sequence and biophysical properties (such as structural, functional, and spatial information, amino acid conservation, physicochemical variation, residue mobility, and thermodynamic stability) performed at Invitae indicates that this missense variant is not expected to disrupt BLM protein function. In summary, the available evidence is currently insufficient to determine the role of this variant in disease. Therefore, it has been classified as a Variant of Uncertain Significance.